The following is an entry in ClinVar:

ClinVar aggregate classification (germline): Benign/Likely benign. Review status: criteria provided, multiple submitters, no conflicts (2 of 4 stars). 6 submissions from 6 submitters: Benign (5); Likely benign (1). Last evaluated 2024-07-01.

Allele frequency attached by ClinVar (database versions not stated): 1000 Genomes Project 0.00200; 1000 Genomes Project 30x 0.00203; gnomAD 0.00336 and 0.00341; ESP Exome Variant Server 0.00385; TOPMed 0.00395; gnomAD exomes 0.00430 and 0.00536; ExAC 0.00454.
gnomAD v4.1: 8,201 of 1,587,232 alleles (0.52%); highest among the groups gnomAD compares: Non-Finnish European, 0.6%; 37 homozygotes.

Submissions (6):

CeGaT Center for Human Genetics Tuebingen
Classification: Likely benign. Last evaluated: 2024-07-01. Review status: criteria provided, single submitter. Criteria: CeGaT Center For Human Genetics Tuebingen Variant Classification Criteria Version 2. Collection method: clinical testing. Allele origin: germline. Affected: yes. Observed: 4 variant alleles.
Comment: OTOF: BP4, BS2

Athena Diagnostics
Classification: Benign. Last evaluated: 2019-08-05. Review status: criteria provided, single submitter. Criteria: Athena Diagnostics Criteria. Collection method: clinical testing. Allele origin: germline.

GeneDx
Classification: Benign. Last evaluated: 2018-08-23. Review status: criteria provided, single submitter. Criteria: GeneDx Variant Classification Process June 2021. Collection method: clinical testing. Allele origin: germline. Affected: yes.

Eurofins Ntd Llc (ga)
Classification: Benign. Last evaluated: 2016-06-07. Review status: criteria provided, single submitter. Criteria: EGL Classification Definitions 2015. Collection method: clinical testing. Allele origin: germline. Observed: 3 variant alleles, 3 heterozygotes.

Laboratory for Molecular Medicine, Mass General Brigham Personalized Medicine
Classification: Benign. Last evaluated: 2012-04-30. Review status: criteria provided, single submitter. Criteria: LMM Criteria. Collection method: clinical testing. Allele origin: germline. Observed: 26 variant alleles.
Comment: Ile23Ser in Exon 01 of OTOF: This variant is not expected to have clinical signi ficance because it has been identified in 0.5% (22/4104) of European American ch romosomes from a broad population by the NHLBI Exome Sequencing Project (dbSNP rs76130130).

Breakthrough Genomics
Classification: Benign. Review status: criteria provided, single submitter. Criteria: ACMG Guidelines, 2015. Collection method: not provided. Allele origin: germline. Inheritance: Autosomal recessive inheritance. Affected: yes.

NM_194248.3(OTOF):c.2215-77T>G

Gene: OTOF (otoferlin; minus strand). Cytogenetic location: 2p23.3.
Variant type: single nucleotide variant.
Coding change: c.2215-77T>G on transcript NM_194248.3 (MANE Select); 77 bases into the intron before coding-DNA position 2215, T replaced by G.
Molecular consequence: intron variant. On other transcripts: missense variant (1).
Genome position (GRCh38, 1-based): chr2:26,477,826, A>C on the plus strand (T>G on the coding strand, the complement: OTOF is on the minus strand). VCF-style: chr2-26477826-A-C. GRCh37 (hg19) VCF-style: chr2-26700694-A-C.
Other names: c.68T>G, p.Ile23Ser (NM_194322.3); c.2215-77T>G (NM_001287489.2); c.-28+18T>G (NM_194323.3, NM_004802.4); short protein forms I23S.
Identifiers: ClinVar variation 48190 (VCV000048190.43), dbSNP rs76130130, ClinGen allele CA142788.